The following is an entry in ClinVar:

ClinVar aggregate classification (germline): Pathogenic/Likely pathogenic. Review status: criteria provided, multiple submitters, no conflicts (2 of 4 stars). 3 submissions from 3 submitters: Pathogenic (1); Likely pathogenic (2). Last evaluated 2024-05-17.

Conditions:
Primary ciliary dyskinesia. Also called: Ciliary dyskinesia. Identifiers: Orphanet 244, MedGen C0008780, MONDO:0016575, HP:0012265.
Primary ciliary dyskinesia 3. Identifiers: Orphanet 244, MedGen C1837618, MONDO:0012085, OMIM 608644.

Allele frequency attached by ClinVar (database versions not stated): TOPMed 0.00001.

Submissions (3):

Fulgent Genetics
Classification: Likely pathogenic for Primary ciliary dyskinesia 3. Last evaluated: 2024-05-17. Review status: criteria provided, single submitter. Criteria: ACMG Guidelines, 2015. Collection method: clinical testing. Allele origin: germline.

Labcorp Genetics (formerly Invitae), Labcorp
Classification: Pathogenic for Primary ciliary dyskinesia. Last evaluated: 2022-06-23. Review status: criteria provided, single submitter. Criteria: Invitae Variant Classification Sherloc (09022015). Collection method: clinical testing. Allele origin: germline.
Comment: This variant is not present in population databases (gnomAD no frequency). For these reasons, this variant has been classified as Pathogenic. This variant has not been reported in the literature in individuals affected with DNAH5-related conditions. This sequence change creates a premature translational stop signal (p.Gln2682*) in the DNAH5 gene. It is expected to result in an absent or disrupted protein product. Loss-of-function variants in DNAH5 are known to be pathogenic (PMID: 11788826, 16627867).

Myriad Genetics, Inc.
Classification: Likely pathogenic for Primary ciliary dyskinesia 3. Last evaluated: 2022-01-22. Review status: criteria provided, single submitter. Criteria: Myriad Women's Health Autosomal Recessive and X-Linked Classification Criteria (2021). Collection method: clinical testing. Allele origin: unknown.
Comment: NM_001369.2(DNAH5):c.8044C>T(Q2682*) is expected to be pathogenic in the context of DNAH5-related primary ciliary dyskinesia. This variant is predicted to lead to an abnormal or absent protein product due to the creation of a premature termination codon in DNAH5, a gene where loss-of-function variants are known to be pathogenic. Please note: this variant was assessed in the context of healthy population screening.

Literature cited by the submitters: PubMed 11788826 (cited by Labcorp Genetics (formerly Invitae), Labcorp); PubMed 16627867 (cited by Labcorp Genetics (formerly Invitae), Labcorp).

NM_001369.3(DNAH5):c.8044C>T (p.Gln2682Ter)

Gene: DNAH5 (dynein axonemal heavy chain 5; minus strand). Cytogenetic location: 5p15.2.
Variant type: single nucleotide variant.
Coding change: c.8044C>T on transcript NM_001369.3 (MANE Select); coding-DNA position 8044, C replaced by T.
Protein change: p.Gln2682Ter; replaces glutamine 2682 with a stop codon.
Molecular consequence: nonsense.
Genome position (GRCh38, 1-based): chr5:13,793,695, G>A on the plus strand (C>T on the coding strand, the complement: DNAH5 is on the minus strand). VCF-style: chr5-13793695-G-A. GRCh37 (hg19) VCF-style: chr5-13793804-G-A.
Other names: short protein forms Q2682*.
Identifiers: ClinVar variation 1723986 (VCV001723986.17), dbSNP rs1199634064, ClinGen allele CA359221560.